The following is an entry in ClinVar:

ClinVar aggregate classification (germline): Likely pathogenic (1 of 4 stars; one submission).

Conditions:
Diets-Jongmans syndrome. Also called: INTELLECTUAL DEVELOPMENTAL DISORDER WITH DISTINCTIVE FACIAL DYSMORPHISM. Identifiers: MedGen C5394263, MONDO:0030012, OMIM 618846.

Submission:

Greenwood Genetic Center Diagnostic Laboratories, Greenwood Genetic Center
Classification: Likely pathogenic for Diets-Jongmans syndrome. Last evaluated: 2024-10-17. Review status: criteria provided, single submitter. Criteria: ACMG Guidelines, 2015. Collection method: clinical testing. Allele origin: germline. Affected: yes.
Comment: PS2, PM2, PP2

NM_016604.4(KDM3B):c.344C>T (p.Ala115Val)

Gene: KDM3B (lysine demethylase 3B; plus strand). Cytogenetic location: 5q31.2.
Variant type: single nucleotide variant.
Coding change: c.344C>T on transcript NM_016604.4 (MANE Select); coding-DNA position 344, C replaced by T.
Protein change: p.Ala115Val; replaces alanine 115 with valine.
Molecular consequence: missense variant.
Genome position (GRCh38, 1-based): chr5:138,372,825, C>T. VCF-style: chr5-138372825-C-T. GRCh37 (hg19) VCF-style: chr5-137708514-C-T.
Other names: short protein forms A115V.
Identifiers: ClinVar variation 3765712 (VCV003765712.1).